The following is an entry in ClinVar:

NM_006545.5(NPRL2):c.401del (p.Ile134fs)

Gene: NPRL2 (NPR2 like, GATOR1 complex subunit; minus strand). Cytogenetic location: 3p21.31.
Variant type: Deletion.
Coding change: c.401del on transcript NM_006545.5 (MANE Select); coding-DNA position 401, one base deleted (T; older notation c.401delT).
Protein change: p.Ile134fs; shifts the reading frame from isoleucine 134.
Molecular consequence: frameshift variant.
Genome position (GRCh38, 1-based): chr3:50,349,433, A deleted on the plus strand (T on the coding strand, the reverse complement: NPRL2 is on the minus strand). VCF-style (leftmost placement, unchanged base first): chr3-50349432-GA-G. GRCh37 (hg19) VCF-style: chr3-50386863-GA-G.
Other names: short protein forms I134fs.
Identifiers: ClinVar variation 3036595 (VCV003036595.2), dbSNP rs2470936665, ClinGen allele CA2740094444.

ClinVar aggregate classification (germline): Likely pathogenic (0 of 4 stars; one submission).

Conditions:
NPRL2-related disorder. Also called: NPRL2-related condition.

Submission:

PreventionGenetics, part of Exact Sciences
Classification: Likely pathogenic for NPRL2-related condition. Last evaluated: 2023-12-22. Review status: no assertion criteria provided. Collection method: clinical testing. Allele origin: germline.
Comment: The NPRL2 c.401delT variant is predicted to result in a frameshift and premature protein termination (p.Ile134Thrfs*6). To our knowledge, this variant has not been reported in the literature or in a large population database, indicating this variant is rare. Frameshift variants in NPRL2 are expected to be pathogenic. This variant is interpreted as likely pathogenic.